The following is an entry in ClinVar:

NM_002907.4(RECQL):c.345A>G (p.Thr115=)

Gene: RECQL (RecQ like helicase; minus strand). Cytogenetic location: 12p12.1.
Variant type: single nucleotide variant.
Coding change: c.345A>G on transcript NM_002907.4 (MANE Select); coding-DNA position 345, A replaced by G.
Protein change: p.Thr115=; no amino-acid change (threonine 115 retained).
Molecular consequence: synonymous variant.
Genome position (GRCh38, 1-based): chr12:21,490,248, T>C on the plus strand (A>G on the coding strand, the complement: RECQL is on the minus strand). VCF-style: chr12-21490248-T-C. GRCh37 (hg19) VCF-style: chr12-21643182-T-C.
Other names: c.345A>G, p.Thr115= (NM_032941.3).
Identifiers: ClinVar variation 1596798 (VCV001596798.10), dbSNP rs369137817, ClinGen allele CA6479126.

ClinVar aggregate classification (germline): Likely benign. Review status: criteria provided, multiple submitters, no conflicts (2 of 4 stars). 2 submissions from 2 submitters: Likely benign (2). Last evaluated 2025-07-14.

Allele frequency attached by ClinVar (database versions not stated): gnomAD 0.00010 and 0.00009; TOPMed 0.00012; ESP Exome Variant Server 0.00015; gnomAD exomes 0.00001 and 0.00004; ExAC 0.00006.
gnomAD v4.1: 28 of 1,613,174 alleles (0.0017%); highest among the groups gnomAD compares: African/African-American, 0.033%; no homozygotes.

Submissions (2):

Labcorp Genetics (formerly Invitae), Labcorp
Classification: Likely benign. Last evaluated: 2025-07-14. Review status: criteria provided, single submitter. Criteria: Invitae Variant Classification Sherloc (09022015). Collection method: clinical testing. Allele origin: germline.

GeneDx
Classification: Likely benign. Last evaluated: 2020-05-11. Review status: criteria provided, single submitter. Criteria: GeneDx Variant Classification Process June 2021. Collection method: clinical testing. Allele origin: germline. Affected: yes.
Comment: See Variant Classification Assertion Criteria.